The following is an entry in ClinVar:

ClinVar aggregate classification (germline): Uncertain significance. Review status: criteria provided, multiple submitters, no conflicts (2 of 4 stars). 3 submissions from 3 submitters: Uncertain significance (3). Last evaluated 2025-11-27.

Conditions:
Usher syndrome type 3B. Also called: USHER SYNDROME, TYPE IIIB. Identifiers: MedGen C3281066, MONDO:0013788, OMIM 614504.

Allele frequency attached by ClinVar (database versions not stated): ExAC 0.00002; gnomAD exomes 0.00002 and 0.00003; gnomAD 0.00003; TOPMed 0.00003; ESP Exome Variant Server 0.00008.
gnomAD v4.1: 48 of 1,613,790 alleles (0.003%); highest among the groups gnomAD compares: Non-Finnish European, 0.0033%; no homozygotes.

Submissions (3):

Labcorp Genetics (formerly Invitae), Labcorp
Classification: Uncertain significance for Usher syndrome type 3B. Last evaluated: 2025-11-27. Review status: criteria provided, single submitter. Criteria: Invitae Variant Classification Sherloc (09022015). Collection method: clinical testing. Allele origin: germline.
Comment: This sequence change replaces arginine, which is basic and polar, with cysteine, which is neutral and slightly polar, at codon 149 of the HARS protein (p.Arg149Cys). This variant is present in population databases (rs138035024, gnomAD 0.006%). This variant has not been reported in the literature in individuals affected with HARS-related conditions. ClinVar contains an entry for this variant (Variation ID: 957273). Invitae Evidence Modeling of protein sequence and biophysical properties (such as structural, functional, and spatial information, amino acid conservation, physicochemical variation, residue mobility, and thermodynamic stability) indicates that this missense variant is expected to disrupt HARS protein function with a positive predictive value of 80%. In summary, the available evidence is currently insufficient to determine the role of this variant in disease. Therefore, it has been classified as a Variant of Uncertain Significance.

CeGaT Center for Human Genetics Tuebingen
Classification: Uncertain significance. Last evaluated: 2024-08-01. Review status: criteria provided, single submitter. Criteria: CeGaT Center For Human Genetics Tuebingen Variant Classification Criteria Version 2. Collection method: clinical testing. Allele origin: germline. Affected: yes. Observed: 1 variant allele.
Comment: HARS1: PP3

Ambry Genetics
Classification: Uncertain significance. Last evaluated: 2020-07-28. Review status: criteria provided, single submitter. Criteria: Ambry Variant Classification Scheme 2023. Collection method: clinical testing. Allele origin: germline.
Comment: The p.R149C variant (also known as c.445C>T), located in coding exon 5 of the HARS gene, results from a C to T substitution at nucleotide position 445. The arginine at codon 149 is replaced by cysteine, an amino acid with highly dissimilar properties. This amino acid position is highly conserved in available vertebrate species. In addition, this alteration is predicted to be deleterious by in silico analysis. Since supporting evidence is limited at this time, the clinical significance of this alteration remains unclear.

NM_002109.6(HARS1):c.445C>T (p.Arg149Cys)

Gene: HARS1 (histidyl-tRNA synthetase 1; minus strand). Cytogenetic location: 5q31.3.
Variant type: single nucleotide variant.
Coding change: c.445C>T on transcript NM_002109.6 (MANE Select); coding-DNA position 445, C replaced by T.
Protein change: p.Arg149Cys; replaces arginine 149 with cysteine.
Molecular consequence: missense variant. On other transcripts: intron variant (2).
Genome position (GRCh38, 1-based): chr5:140,679,079, G>A on the plus strand (C>T on the coding strand, the complement: HARS1 is on the minus strand). VCF-style: chr5-140679079-G-A. GRCh37 (hg19) VCF-style: chr5-140058664-G-A.
Other names: c.325C>T, p.Arg109Cys (NM_001258040.3, NM_001258042.3); c.445C>T, p.Arg149Cys (NM_001258041.3); c.358C>T, p.Arg120Cys (NM_001289094.2); c.181-1064C>T (NM_001289093.2); c.301-1064C>T (NM_001289092.2); short protein forms R120C, R109C, R149C.
Identifiers: ClinVar variation 957273 (VCV000957273.25), dbSNP rs138035024, ClinGen allele CA3444108.